The following is an entry in ClinVar:

NM_007129.5(ZIC2):c.1234A>G (p.Met412Val)

Gene: ZIC2 (Zic family zinc finger 2; plus strand). Cytogenetic location: 13q32.3.
Variant type: single nucleotide variant.
Coding change: c.1234A>G on transcript NM_007129.5 (MANE Select); coding-DNA position 1234, A replaced by G.
Protein change: p.Met412Val; replaces methionine 412 with valine.
Molecular consequence: missense variant.
Genome position (GRCh38, 1-based): chr13:99,985,104, A>G. VCF-style: chr13-99985104-A-G. GRCh37 (hg19) VCF-style: chr13-100637358-A-G.
Other names: c.1234A>G (NM_007129.3); short protein forms M412V.
Identifiers: ClinVar variation 3712150 (VCV003712150.3).

ClinVar aggregate classification (germline): Conflicting classifications of pathogenicity. Review status: criteria provided, conflicting classifications (1 of 4 stars). 2 submissions from 2 submitters: Uncertain significance (1); Likely benign (1). Last evaluated 2025-04-01.

Conditions:
Inborn genetic diseases. Identifiers: MedGen C0950123, MeSH D030342.
Holoprosencephaly 5 (HPE5). Identifiers: Orphanet 2162, MedGen C1864827, MONDO:0012322, OMIM 609637.

Submissions (2):

Ambry Genetics
Classification: Likely benign for Inborn genetic diseases. Last evaluated: 2025-04-01. Review status: criteria provided, single submitter. Criteria: Ambry Variant Classification Scheme 2023. Collection method: clinical testing. Allele origin: germline.

Labcorp Genetics (formerly Invitae), Labcorp
Classification: Uncertain significance for Holoprosencephaly 5. Last evaluated: 2024-07-15. Review status: criteria provided, single submitter. Criteria: Invitae Variant Classification Sherloc (09022015). Collection method: clinical testing. Allele origin: germline.
Comment: This sequence change replaces methionine, which is neutral and non-polar, with valine, which is neutral and non-polar, at codon 412 of the ZIC2 protein (p.Met412Val). This variant is present in population databases (rs774495822, gnomAD 0.006%). This variant has not been reported in the literature in individuals affected with ZIC2-related conditions. Advanced modeling of protein sequence and biophysical properties (such as structural, functional, and spatial information, amino acid conservation, physicochemical variation, residue mobility, and thermodynamic stability) has been performed at Invitae for this missense variant, however the output from this modeling did not meet the statistical confidence thresholds required to predict the impact of this variant on ZIC2 protein function. In summary, the available evidence is currently insufficient to determine the role of this variant in disease. Therefore, it has been classified as a Variant of Uncertain Significance.